The following is an entry in ClinVar:

ClinVar aggregate classification (germline): Uncertain significance (1 of 4 stars; one submission).

Conditions:
SPTBN4-related disorder. Also called: SPTBN4-related condition.

Submission:

PreventionGenetics, part of Exact Sciences
Classification: Uncertain significance for SPTBN4-related condition. Last evaluated: 2025-08-07. Review status: criteria provided, single submitter. Criteria: ACMG Guidelines, 2015. Collection method: clinical testing. Allele origin: germline.
Comment: The SPTBN4 c.3314T>G variant is predicted to result in the amino acid substitution p.Val1105Gly. To our knowledge, this variant has not been reported in the literature or in a large population database (gnomAD), indicating this variant is rare. At this time, the clinical significance of this variant is uncertain due to the absence of conclusive functional and genetic evidence.

NM_020971.3(SPTBN4):c.3314T>G (p.Val1105Gly)

Gene: SPTBN4 (spectrin beta, non-erythrocytic 4; plus strand). Cytogenetic location: 19q13.2.
Variant type: single nucleotide variant.
Coding change: c.3314T>G on transcript NM_020971.3 (MANE Select); coding-DNA position 3314, T replaced by G.
Protein change: p.Val1105Gly; replaces valine 1105 with glycine.
Molecular consequence: missense variant.
Genome position (GRCh38, 1-based): chr19:40,519,811, T>G. VCF-style: chr19-40519811-T-G. GRCh37 (hg19) VCF-style: chr19-41025718-T-G.
Other names: short protein forms V1105G.
Identifiers: ClinVar variation 4998967 (VCV004998967.1).